The following is an entry in ClinVar:

NM_001366006.2(ADGRL2):c.2277A>G (p.Ser759=)

Gene: ADGRL2 (adhesion G protein-coupled receptor L2; plus strand). Cytogenetic location: 1p31.1.
Variant type: single nucleotide variant.
Coding change: c.2277A>G on transcript NM_001366006.2 (MANE Select); coding-DNA position 2277, A replaced by G.
Protein change: p.Ser759=; no amino-acid change (serine 759 retained).
Molecular consequence: synonymous variant. On other transcripts: non-coding transcript variant (1).
Genome position (GRCh38, 1-based): chr1:81,966,537, A>G. VCF-style: chr1-81966537-A-G. GRCh37 (hg19) VCF-style: chr1-82432221-A-G.
Other names: c.2226A>G, p.Ser742= (NM_001297706.3, NM_001350699.2, NM_001366002.2 and 7 more transcripts); c.2265A>G, p.Ser755= (NM_001330645.3, NM_001366009.2, NM_001393350.1); c.2277A>G, p.Ser759= (NM_001350698.2, NM_001366003.2, NM_001366004.2 and 4 more transcripts).
Identifiers: ClinVar variation 2638901 (VCV002638901.24), dbSNP rs151060845, ClinGen allele CA922674.

ClinVar aggregate classification (germline): Likely benign (1 of 4 stars; one submission).

Allele frequency attached by ClinVar (database versions not stated): 1000 Genomes Project 30x 0.00047; 1000 Genomes Project 0.00060; TOPMed 0.00071; gnomAD 0.00079; ExAC 0.00087; ESP Exome Variant Server 0.00108; gnomAD exomes 0.00143.
gnomAD v4.1: 2,170 of 1,614,082 alleles (0.13%); highest among the groups gnomAD compares: Non-Finnish European, 0.17%; 2 homozygotes.

Submission:

CeGaT Center for Human Genetics Tuebingen
Classification: Likely benign. Last evaluated: 2022-05-01. Review status: criteria provided, single submitter. Criteria: CeGaT Center For Human Genetics Tuebingen Variant Classification Criteria Version 2. Collection method: clinical testing. Allele origin: germline. Affected: yes. Observed: 1 variant allele.
Comment: ADGRL2: BP4, BP7